The following is an entry in ClinVar:

NM_004738.5(VAPB):c.*4923A>G

Gene: VAPB (VAMP associated protein B and C; plus strand). Cytogenetic location: 20q13.32.
Variant type: single nucleotide variant.
Coding change: c.*4923A>G on transcript NM_004738.5 (MANE Select); 4923 bases downstream of the stop codon, A replaced by G.
Molecular consequence: 3 prime UTR variant. On other transcripts: non-coding transcript variant (1).
Genome position (GRCh38, 1-based): chr20:58,449,158, A>G. VCF-style: chr20-58449158-A-G. GRCh37 (hg19) VCF-style: chr20-57024214-A-G.
Other names: c.*4993A>G (NM_001195677.2).
Identifiers: ClinVar variation 338999 (VCV000338999.6), dbSNP rs776329339, ClinGen allele CA9924606.

ClinVar aggregate classification (germline): Benign. Review status: criteria provided, single submitter (1 of 4 stars). 2 submissions from 1 submitter: Benign (2). Last evaluated 2018-01-12.

Conditions:
Amyotrophic lateral sclerosis type 8 (ALS8). Identifiers: Orphanet 803, MedGen C1837728, MONDO:0012077, OMIM 608627.
Adult-onset proximal spinal muscular atrophy, autosomal dominant. Also called: FINKEL LATE-ADULT TYPE SMA; Spinal muscular atrophy, late-onset, finkel type. Identifiers: Orphanet 209335, MedGen C1854058, MONDO:0008453, OMIM 182980.

Allele frequency attached by ClinVar (database versions not stated): TOPMed 0.00017; gnomAD 0.00020 and 0.00022; gnomAD exomes 0.00024 and 0.00044; ExAC 0.00158.
gnomAD v4.1: 108 of 454,012 alleles (0.024%); highest among the groups gnomAD compares: Non-Finnish European, 0.0071%; no homozygotes.

Submissions (2):

Illumina Laboratory Services, Illumina
Classification: Benign for Amyotrophic lateral sclerosis type 8. Last evaluated: 2018-01-12. Review status: criteria provided, single submitter. Criteria: ICSL Variant Classification Criteria 13 December 2019. Collection method: clinical testing. Allele origin: germline.
Comment: This variant was observed in the ICSL laboratory as part of a predisposition screen in an ostensibly healthy population. It had not been previously curated by ICSL or reported in the Human Gene Mutation Database (HGMD: prior to June 1st, 2018), and was therefore a candidate for classification through an automated scoring system. Utilizing variant allele frequency, disease prevalence and penetrance estimates, and inheritance mode, an automated score was calculated to assess if this variant is too frequent to cause the disease. Based on the score and internal cut-off values, a variant classified as benign is not then subjected to further curation. The score for this variant resulted in a classification of benign for this disease.

Illumina Laboratory Services, Illumina
Classification: Benign for Adult-onset proximal spinal muscular atrophy, autosomal dominant. Last evaluated: 2018-01-12. Review status: criteria provided, single submitter. Criteria: ICSL Variant Classification Criteria 13 December 2019. Collection method: clinical testing. Allele origin: germline.
Comment: the same text as in the submission from Illumina Laboratory Services, Illumina above.